The following is an entry in ClinVar:

NM_006767.4(LZTR1):c.1868C>G (p.Pro623Arg)

Gene: LZTR1 (leucine zipper like post translational regulator 1; plus strand). Cytogenetic location: 22q11.21.
Variant type: single nucleotide variant.
Coding change: c.1868C>G on transcript NM_006767.4 (MANE Select); coding-DNA position 1868, C replaced by G.
Protein change: p.Pro623Arg; replaces proline 623 with arginine.
Molecular consequence: missense variant.
Genome position (GRCh38, 1-based): chr22:20,994,952, C>G. VCF-style: chr22-20994952-C-G. GRCh37 (hg19) VCF-style: chr22-21349241-C-G.
Other names: short protein forms P623R.
Identifiers: ClinVar variation 3238153 (VCV003238153.1), dbSNP rs1453133601.

ClinVar aggregate classification (germline): Uncertain significance (1 of 4 stars; one submission).

Conditions:
Hereditary cancer-predisposing syndrome. Also called: Neoplastic Syndromes, Hereditary; Tumor predisposition; Hereditary neoplastic syndrome; Hereditary Cancer Syndrome. Identifiers: Orphanet 140162, MedGen C0027672, MeSH D009386, MONDO:0015356.
Cardiovascular phenotype. Identifiers: MedGen CN230736.

Submission:

Ambry Genetics
Classification: Uncertain significance for Cardiovascular phenotype; Hereditary cancer-predisposing syndrome. Last evaluated: 2024-01-21. Review status: criteria provided, single submitter. Criteria: Ambry Variant Classification Scheme 2023. Collection method: clinical testing. Allele origin: germline.
Comment: The p.P623R variant (also known as c.1868C>G), located in coding exon 16 of the LZTR1 gene, results from a C to G substitution at nucleotide position 1868. The proline at codon 623 is replaced by arginine, an amino acid with dissimilar properties. This amino acid position is conserved. In addition, this alteration is predicted to be tolerated by in silico analysis. Based on the available evidence, the clinical significance of this alteration remains unclear.